The following is an entry in ClinVar:

NM_021828.5(HPSE2):c.1414C>T (p.Arg472Ter)

Gene: HPSE2 (heparanase 2 (inactive); minus strand). Cytogenetic location: 10q24.2.
Variant type: single nucleotide variant.
Coding change: c.1414C>T on transcript NM_021828.5 (MANE Select); coding-DNA position 1414, C replaced by T.
Protein change: p.Arg472Ter; replaces arginine 472 with a stop codon.
Molecular consequence: nonsense.
Genome position (GRCh38, 1-based): chr10:98,490,103, G>A on the plus strand (C>T on the coding strand, the complement: HPSE2 is on the minus strand). VCF-style: chr10-98490103-G-A. GRCh37 (hg19) VCF-style: chr10-100249860-G-A.
Other names: c.1240C>T, p.Arg414Ter (NM_001166244.1); c.1078C>T, p.Arg360Ter (NM_001166245.1); c.1414C>T, p.Arg472Ter (NM_001166246.1); short protein forms R472*, R360*, R414*.
Identifiers: ClinVar variation 88 (VCV000000088.6), dbSNP rs267606864, ClinGen allele CA251382.

ClinVar aggregate classification (germline): Pathogenic. Review status: criteria provided, single submitter (1 of 4 stars). 2 submissions from 2 submitters: Pathogenic (1). 1 of the submissions does not count toward it. Last evaluated 2022-12-03.

Conditions:
Urofacial syndrome type 1. Also called: HPSE2-Related Urofacial Syndrome. Identifiers: Orphanet 2704, MedGen CN033872, MONDO:0009368, OMIM 236730.

Allele frequency attached by ClinVar (database versions not stated): gnomAD exomes 0.00001; TOPMed 0.00001; ExAC 0.00002; gnomAD 0.00002.
gnomAD v4.1: 29 of 1,614,074 alleles (0.0018%); highest among the groups gnomAD compares: African/African-American, 0.0027%; no homozygotes.

Submissions (2):

Labcorp Genetics (formerly Invitae), Labcorp
Classification: Pathogenic. Last evaluated: 2022-12-03. Review status: criteria provided, single submitter. Criteria: Invitae Variant Classification Sherloc (09022015). Collection method: clinical testing. Allele origin: germline.
Comment: For these reasons, this variant has been classified as Pathogenic. ClinVar contains an entry for this variant (Variation ID: 88). This premature translational stop signal has been observed in individual(s) with clinical features of HPSE2-related conditions (PMID: 20560210). This variant is present in population databases (rs267606864, gnomAD 0.004%). This sequence change creates a premature translational stop signal (p.Arg472*) in the HPSE2 gene. It is expected to result in an absent or disrupted protein product. Loss-of-function variants in HPSE2 are known to be pathogenic (PMID: 20560210, 25510506).

OMIM
Classification: Pathogenic for UROFACIAL SYNDROME 1. Last evaluated: 2010-06-11. Review status: no assertion criteria provided. Collection method: literature only. Allele origin: germline. Not counted in ClinVar's aggregate classification.

Literature cited by the submitters: PubMed 20560210 (cited by Labcorp Genetics (formerly Invitae), Labcorp and OMIM); PubMed 25510506 (cited by Labcorp Genetics (formerly Invitae), Labcorp); PubMed 19839856 (cited by OMIM).